The following is an entry in ClinVar:

NM_004698.4(PRPF3):c.1128G>C (p.Lys376Asn)

Gene: PRPF3 (pre-mRNA processing factor 3; plus strand). Cytogenetic location: 1q21.2.
Variant type: single nucleotide variant.
Coding change: c.1128G>C on transcript NM_004698.4 (MANE Select); coding-DNA position 1128, G replaced by C.
Protein change: p.Lys376Asn; replaces lysine 376 with asparagine.
Molecular consequence: missense variant. On other transcripts: non-coding transcript variant (4).
Genome position (GRCh38, 1-based): chr1:150,338,252, G>C. VCF-style: chr1-150338252-G-C. GRCh37 (hg19) VCF-style: chr1-150310728-G-C.
Other names: c.723G>C, p.Lys241Asn (NM_001350529.1); short protein forms K241N, K376N.
Identifiers: ClinVar variation 1037579 (VCV001037579.8), dbSNP rs1274839626, ClinGen allele CA342296829.

ClinVar aggregate classification (germline): Uncertain significance (1 of 4 stars; one submission).

Allele frequency attached by ClinVar (database versions not stated): TOPMed below 0.00001.

Submission:

Labcorp Genetics (formerly Invitae), Labcorp
Classification: Uncertain significance. Last evaluated: 2020-02-07. Review status: criteria provided, single submitter. Criteria: Invitae Variant Classification Sherloc (09022015). Collection method: clinical testing. Allele origin: germline.
Comment: In summary, the available evidence is currently insufficient to determine the role of this variant in disease. Therefore, it has been classified as a Variant of Uncertain Significance. Algorithms developed to predict the effect of missense changes on protein structure and function (SIFT, PolyPhen-2, Align-GVGD) all suggest that this variant is likely to be tolerated, but these predictions have not been confirmed by published functional studies and their clinical significance is uncertain. This variant has not been reported in the literature in individuals with PRPF3-related conditions. This variant is not present in population databases (ExAC no frequency). This sequence change replaces lysine with asparagine at codon 376 of the PRPF3 protein (p.Lys376Asn). The lysine residue is highly conserved and there is a moderate physicochemical difference between lysine and asparagine.